The following is an entry in ClinVar:

ClinVar aggregate classification (germline): Pathogenic (1 of 4 stars; one submission).

Conditions:
Galactosylceramide beta-galactosidase deficiency. Also called: GALACTOCEREBROSIDASE DEFICIENCY; GALC DEFICIENCY; GLOBOID CELL LEUKOENCEPHALOPATHY; Leukodystrophy, Globoid Cell; Krabbe Disease. Identifiers: Orphanet 487, MedGen C0023521, MONDO:0009499, OMIM 245200.

Submission:

Labcorp Genetics (formerly Invitae), Labcorp
Classification: Pathogenic for Galactosylceramide beta-galactosidase deficiency. Last evaluated: 2023-07-12. Review status: criteria provided, single submitter. Criteria: Invitae Variant Classification Sherloc (09022015). Collection method: clinical testing. Allele origin: unknown.
Comment: For these reasons, this variant has been classified as Pathogenic. This variant has not been reported in the literature in individuals affected with GALC-related conditions. This variant is a gross deletion of the genomic region encompassing exon(s) 10 of the GALC gene. This deletion is out-of-frame, and is expected to create a premature termination codon and result in an absent or disrupted protein product. Loss-of-function variants in GALC are known to be pathogenic (PMID: 7437911, 9272171, 16607461).

Literature cited by the submitters: PubMed 7437911; PubMed 9272171; PubMed 16607461.

NC_000014.8:g.(?_88429708)_(88429875_?)del

Gene: GALC (galactosylceramidase; minus strand). Cytogenetic location: 14q31.3.
Variant type: Deletion.
Identifiers: ClinVar variation 3243946 (VCV003243946.1).